The following is an entry in ClinVar:

ClinVar aggregate classification (germline): Uncertain significance (1 of 4 stars; one submission).

Submission:

Labcorp Genetics (formerly Invitae), Labcorp
Classification: Uncertain significance. Last evaluated: 2026-01-11. Review status: criteria provided, single submitter. Criteria: Invitae Variant Classification Sherloc (09022015). Collection method: clinical testing. Allele origin: germline.
Comment: This sequence change replaces alanine, which is neutral and non-polar, with glycine, which is neutral and non-polar, at codon 122 of the SLC12A2 protein (p.Ala122Gly). This variant is not present in population databases (gnomAD no frequency). This variant has not been reported in the literature in individuals affected with SLC12A2-related conditions. Invitae Evidence Modeling of protein sequence and biophysical properties (such as structural, functional, and spatial information, amino acid conservation, physicochemical variation, residue mobility, and thermodynamic stability) indicates that this missense variant is not expected to disrupt SLC12A2 protein function with a negative predictive value of 95%. In summary, the available evidence is currently insufficient to determine the role of this variant in disease. Therefore, it has been classified as a Variant of Uncertain Significance.

NM_001046.3(SLC12A2):c.365C>G (p.Ala122Gly)

Gene: SLC12A2 (solute carrier family 12 member 2; plus strand). Cytogenetic location: 5q23.3.
Variant type: single nucleotide variant.
Coding change: c.365C>G on transcript NM_001046.3 (MANE Select); coding-DNA position 365, C replaced by G.
Protein change: p.Ala122Gly; replaces alanine 122 with glycine.
Molecular consequence: missense variant. On other transcripts: non-coding transcript variant (1).
Genome position (GRCh38, 1-based): chr5:128,084,319, C>G. VCF-style: chr5-128084319-C-G. GRCh37 (hg19) VCF-style: chr5-127420011-C-G.
Other names: c.365C>G, p.Ala122Gly (NM_001256461.2); short protein forms A122G.
Identifiers: ClinVar variation 4801539 (VCV004801539.1).